The following is an entry in ClinVar:

NM_003560.4(PLA2G6):c.336C>A (p.Asp112Glu)

Gene: PLA2G6 (phospholipase A2 group VI; minus strand). Cytogenetic location: 22q13.1.
Variant type: single nucleotide variant.
Coding change: c.336C>A on transcript NM_003560.4 (MANE Select); coding-DNA position 336, C replaced by A.
Protein change: p.Asp112Glu; replaces aspartic acid 112 with glutamic acid.
Molecular consequence: missense variant. On other transcripts: 5 prime UTR variant (3).
Genome position (GRCh38, 1-based): chr22:38,145,527, G>T on the plus strand (C>A on the coding strand, the complement: PLA2G6 is on the minus strand). VCF-style: chr22-38145527-G-T. GRCh37 (hg19) VCF-style: chr22-38541534-G-T.
Other names: c.336C>A, p.Asp112Glu (NM_001004426.3, NM_001199562.3, NM_001349864.2 and 2 more transcripts); c.-199C>A (NM_001349867.2, NM_001349869.2); c.-155C>A (NM_001349868.2); short protein forms D112E.
Identifiers: ClinVar variation 1331100 (VCV001331100.2), dbSNP rs2089196174, ClinGen allele CA411532261.
Genomic context (GRCh38, chr22:38,145,527, plus strand): 5'-GCGGATCCCTAGCTCCACAGCCAGGTGGGCCACTGACCAGCTGGGGTGGTTACGGATGAG[G>T]TCGGTCAGGTGCTGCAGGACCTCAGTGTGCAGGACCTGAGGGGAGCTCTCATAGAAGGGT-3'
Protein context (NP_003551.2, residues 102-122): LHTEVLQHLT[Asp112Glu]LIRNHPSWSV

ClinVar aggregate classification (germline): Uncertain significance (1 of 4 stars; one submission).

Allele frequency attached by ClinVar (database versions not stated): gnomAD exomes below 0.00001; gnomAD 0.00001; TOPMed 0.00001.
gnomAD v4.1: 2 of 1,613,524 alleles (0.00012%); highest among the groups gnomAD compares: Non-Finnish European, 0.00017%; no homozygotes.

Submission:

GeneDx
Classification: Uncertain significance. Last evaluated: 2021-07-01. Review status: criteria provided, single submitter. Criteria: GeneDx Variant Classification Process June 2021. Collection method: clinical testing. Allele origin: germline. Affected: yes.
Comment: Not observed at significant frequency in large population cohorts (Lek et al., 2016); In silico analysis supports that this missense variant has a deleterious effect on protein structure/function; Has not been previously published as pathogenic or benign to our knowledge; This variant is associated with the following publications: (PMID: 27535533)